The following is an entry in ClinVar:

ClinVar aggregate classification (germline): Uncertain significance (1 of 4 stars; one submission).

Conditions:
PLEC-related disorder. Also called: PLEC-related disorders; PLEC-related condition.

gnomAD v4.1: 1 of 1,597,180 alleles (0.000063%); highest among the groups gnomAD compares: Admixed American, 0.0017%; no homozygotes.

Submission:

PreventionGenetics, part of Exact Sciences
Classification: Uncertain significance for PLEC-related condition. Last evaluated: 2026-06-16. Review status: criteria provided, single submitter. Criteria: ACMG Guidelines, 2015. Collection method: clinical testing. Allele origin: germline.
Comment: The PLEC c.3773A>G variant is predicted to result in the amino acid substitution p.Glu1258Gly. To our knowledge, this variant has not been reported in the literature or in a large population database (gnomAD), indicating this variant is rare. At this time, the clinical significance of this variant is uncertain due to the absence of conclusive functional and genetic evidence.

NM_201384.3(PLEC):c.3692A>G (p.Glu1231Gly)

Gene: PLEC (plectin; minus strand). Cytogenetic location: 8q24.3.
Variant type: single nucleotide variant.
Coding change: c.3692A>G on transcript NM_201384.3 (MANE Select); coding-DNA position 3692, A replaced by G.
Protein change: p.Glu1231Gly; replaces glutamic acid 1231 with glycine.
Molecular consequence: missense variant.
Genome position (GRCh38, 1-based): chr8:143,927,474, T>C on the plus strand (A>G on the coding strand, the complement: PLEC is on the minus strand). VCF-style: chr8-143927474-T-C. GRCh37 (hg19) VCF-style: chr8-145001642-T-C.
Other names: c.3773A>G, p.Glu1258Gly (NM_000445.5, NM_001410941.1); c.3650A>G, p.Glu1217Gly (NM_201378.4); c.3626A>G, p.Glu1209Gly (NM_201379.3); c.4103A>G, p.Glu1368Gly (NM_201380.4); c.3596A>G, p.Glu1199Gly (NM_201381.3); c.3692A>G, p.Glu1231Gly (NM_201382.4); c.3704A>G, p.Glu1235Gly (NM_201383.3); short protein forms E1231G, E1235G, E1258G, E1217G, E1209G, E1199G, E1368G.
Identifiers: ClinVar variation 4982610 (VCV004982610.1).